The following is an entry in ClinVar:

NM_176824.3(BBS7):c.508A>G (p.Arg170Gly)

Gene: BBS7 (Bardet-Biedl syndrome 7; minus strand). Cytogenetic location: 4q27.
Variant type: single nucleotide variant.
Coding change: c.508A>G on transcript NM_176824.3 (MANE Select); coding-DNA position 508, A replaced by G.
Protein change: p.Arg170Gly; replaces arginine 170 with glycine.
Molecular consequence: missense variant.
Genome position (GRCh38, 1-based): chr4:121,859,012, T>C on the plus strand (A>G on the coding strand, the complement: BBS7 is on the minus strand). VCF-style: chr4-121859012-T-C. GRCh37 (hg19) VCF-style: chr4-122780167-T-C.
Other names: c.508A>G, p.Arg170Gly (NM_018190.4); short protein forms R170G.
Identifiers: ClinVar variation 942706 (VCV000942706.9), dbSNP rs199891330, ClinGen allele CA3064501.

ClinVar aggregate classification (germline): Uncertain significance. Review status: criteria provided, multiple submitters, no conflicts (2 of 4 stars). 3 submissions from 3 submitters: Uncertain significance (3). Last evaluated 2026-08-19.

Conditions:
BBS7-related disorder. Also called: BBS7-related condition.
Inborn genetic diseases. Identifiers: MedGen C0950123, MeSH D030342.
Bardet-Biedl syndrome (BBS). Identifiers: Orphanet 110, MedGen C0752166, MONDO:0015229.

Allele frequency attached by ClinVar (database versions not stated): gnomAD exomes 0.00014 and 0.00003; 1000 Genomes Project 30x 0.00016; 1000 Genomes Project 0.00020; gnomAD 0.00002 and 0.00003; TOPMed 0.00009; ExAC 0.00011.
gnomAD v4.1: 46 of 1,613,896 alleles (0.0029%); highest among the groups gnomAD compares: Admixed American, 0.072%; no homozygotes.

Submissions (3):

PreventionGenetics, part of Exact Sciences
Classification: Uncertain significance for BBS7-related condition. Last evaluated: 2026-08-19. Review status: criteria provided, single submitter. Criteria: ACMG Guidelines, 2015. Collection method: clinical testing. Allele origin: germline.
Comment: The BBS7 c.508A>G variant is predicted to result in the amino acid substitution p.Arg170Gly. This variant has been reported in the absence of a second BBS7 variant in an individual with transposition of the great arteries (De Ita et al. 2022. PubMed ID: 36140829). This variant is reported in 0.098% of alleles in individuals of Latino descent in gnomAD, which may be too common to be a primary cause of disease. Although we suspect that this variant may be benign, at this time, the clinical significance of this variant is uncertain due to the absence of conclusive functional and genetic evidence.

Ambry Genetics
Classification: Uncertain significance for Inborn genetic diseases. Last evaluated: 2024-09-27. Review status: criteria provided, single submitter. Criteria: Ambry Variant Classification Scheme 2023. Collection method: clinical testing. Allele origin: germline.

Labcorp Genetics (formerly Invitae), Labcorp
Classification: Uncertain significance for Bardet-Biedl syndrome. Last evaluated: 2022-09-27. Review status: criteria provided, single submitter. Criteria: Invitae Variant Classification Sherloc (09022015). Collection method: clinical testing. Allele origin: germline.
Comment: This sequence change replaces arginine, which is basic and polar, with glycine, which is neutral and non-polar, at codon 170 of the BBS7 protein (p.Arg170Gly). This variant is present in population databases (rs199891330, gnomAD 0.1%). This variant has not been reported in the literature in individuals affected with BBS7-related conditions. ClinVar contains an entry for this variant (Variation ID: 942706). Advanced modeling of protein sequence and biophysical properties (such as structural, functional, and spatial information, amino acid conservation, physicochemical variation, residue mobility, and thermodynamic stability) has been performed at Invitae for this missense variant, however the output from this modeling did not meet the statistical confidence thresholds required to predict the impact of this variant on BBS7 protein function. In summary, the available evidence is currently insufficient to determine the role of this variant in disease. Therefore, it has been classified as a Variant of Uncertain Significance.